The following is an entry in ClinVar:

NM_015271.5(TRIM2):c.1510+3A>G

Gene: TRIM2 (tripartite motif containing 2; plus strand). Cytogenetic location: 4q31.3.
Variant type: single nucleotide variant.
Coding change: c.1510+3A>G on transcript NM_015271.5 (MANE Select); 3 bases into the intron after coding-DNA position 1510, A replaced by G.
Molecular consequence: intron variant.
Genome position (GRCh38, 1-based): chr4:153,296,039, A>G. VCF-style: chr4-153296039-A-G. GRCh37 (hg19) VCF-style: chr4-154217191-A-G.
Other names: c.1429+3A>G (NM_001375517.1, NM_001375514.1, NM_001351056.2 and 5 more transcripts); c.1171+3A>G (NM_001375525.1, NM_001375523.1, NM_001375522.1); c.1054+3A>G (NM_001351057.2); c.1603+3A>G (NM_001375488.1); c.1453+3A>G (NM_001375490.1); c.1177+3A>G (NM_001375519.1); c.1600+3A>G (NM_001375489.1); c.1450+3A>G (NM_001375491.1); and 3 more.
Identifiers: ClinVar variation 1961058 (VCV001961058.5), dbSNP rs2546531921, ClinGen allele CA2580071619.

ClinVar aggregate classification (germline): Uncertain significance (1 of 4 stars; one submission).

Conditions:
Charcot-Marie-Tooth disease type 2R. Also called: Charcot-Marie-Tooth disease, axonal, type 2R; CHARCOT-MARIE-TOOTH DISEASE, AXONAL, AUTOSOMAL RECESSIVE, TYPE 2R; CHARCOT-MARIE-TOOTH NEUROPATHY, TYPE 2R. Identifiers: Orphanet 397968, MedGen C3809655, MONDO:0014208, OMIM 615490.

Submission:

Labcorp Genetics (formerly Invitae), Labcorp
Classification: Uncertain significance for Charcot-Marie-Tooth disease type 2R. Last evaluated: 2022-02-20. Review status: criteria provided, single submitter. Criteria: Invitae Variant Classification Sherloc (09022015). Collection method: clinical testing. Allele origin: germline.
Comment: Variants that disrupt the consensus splice site are a relatively common cause of aberrant splicing (PMID: 17576681, 9536098). Algorithms developed to predict the effect of sequence changes on RNA splicing suggest that this variant may disrupt the consensus splice site. This variant has not been reported in the literature in individuals affected with TRIM2-related conditions. This variant is not present in population databases (gnomAD no frequency). This sequence change falls in intron 6 of the TRIM2 gene. It does not directly change the encoded amino acid sequence of the TRIM2 protein. It affects a nucleotide within the consensus splice site. In summary, the available evidence is currently insufficient to determine the role of this variant in disease. Therefore, it has been classified as a Variant of Uncertain Significance.

Literature cited by the submitters: PubMed 17576681; PubMed 9536098.